The following is an entry in ClinVar:

ClinVar aggregate classification (germline): Uncertain significance. Review status: criteria provided, multiple submitters, no conflicts (2 of 4 stars). 2 submissions from 2 submitters: Uncertain significance (2). Last evaluated 2025-01-16.

Conditions:
Inborn genetic diseases. Identifiers: MedGen C0950123, MeSH D030342.
Deafness-lymphedema-leukemia syndrome. Also called: Emberger syndrome; Lymphedema, primary, with myelodysplasia. Identifiers: Orphanet 3226, MedGen C3279664, MONDO:0013540, OMIM 614038.
Monocytopenia with susceptibility to infections. Also called: IMMUNODEFICIENCY 21; GATA2 DEFICIENCY; MONOCYTOPENIA AND MYCOBACTERIAL INFECTION SYNDROME; MONOCYTOPENIA WITH SUSCEPTIBILITY TO MYCOBACTERIAL, FUNGAL, AND PAPILLOMAVIRUS INFECTIONS AND MYELODYSPLASIA; COMBINED IMMUNODEFICIENCY WITH SUSCEPTIBILITY TO MYCOBACTERIAL, VIRAL, AND FUNGAL INFECTIONS; Dendritic cell, monocyte, B lymphocyte, and natural killer lymphocyte deficiency. Identifiers: Orphanet 228423, MedGen C3280030, MONDO:0013607, OMIM 614172.

Allele frequency attached by ClinVar (database versions not stated): gnomAD exomes below 0.00001.
gnomAD v4.1: 4 of 1,578,822 alleles (0.00025%); highest among the groups gnomAD compares: East Asian, 0.0022%; no homozygotes.

Submissions (2):

Ambry Genetics
Classification: Uncertain significance for Inborn genetic diseases. Last evaluated: 2025-01-16. Review status: criteria provided, single submitter. Criteria: Ambry Variant Classification Scheme 2023. Collection method: clinical testing. Allele origin: germline.
Comment: The p.T477I variant (also known as c.1430C>T), located in coding exon 5 of the GATA2 gene, results from a C to T substitution at nucleotide position 1430. The threonine at codon 477 is replaced by isoleucine, an amino acid with similar properties. This amino acid position is well conserved in available vertebrate species. In addition, the in silico prediction for this alteration is inconclusive. Based on the available evidence, the clinical significance of this variant remains unclear.

Labcorp Genetics (formerly Invitae), Labcorp
Classification: Uncertain significance for Monocytopenia with susceptibility to infections; Deafness-lymphedema-leukemia syndrome. Last evaluated: 2022-11-25. Review status: criteria provided, single submitter. Criteria: Invitae Variant Classification Sherloc (09022015). Collection method: clinical testing. Allele origin: germline.
Comment: In summary, the available evidence is currently insufficient to determine the role of this variant in disease. Therefore, it has been classified as a Variant of Uncertain Significance. Advanced modeling of protein sequence and biophysical properties (such as structural, functional, and spatial information, amino acid conservation, physicochemical variation, residue mobility, and thermodynamic stability) has been performed at Invitae for this missense variant, however the output from this modeling did not meet the statistical confidence thresholds required to predict the impact of this variant on GATA2 protein function. ClinVar contains an entry for this variant (Variation ID: 1035475). This variant has not been reported in the literature in individuals affected with GATA2-related conditions. This variant is not present in population databases (gnomAD no frequency). This sequence change replaces threonine, which is neutral and polar, with isoleucine, which is neutral and non-polar, at codon 477 of the GATA2 protein (p.Thr477Ile).

NM_032638.5(GATA2):c.1430C>T (p.Thr477Ile)

Gene: GATA2 (GATA binding protein 2; minus strand). Cytogenetic location: 3q21.3.
Variant type: single nucleotide variant.
Coding change: c.1430C>T on transcript NM_032638.5 (MANE Select); coding-DNA position 1430, C replaced by T.
Protein change: p.Thr477Ile; replaces threonine 477 with isoleucine.
Molecular consequence: missense variant.
Genome position (GRCh38, 1-based): chr3:128,481,032, G>A on the plus strand (C>T on the coding strand, the complement: GATA2 is on the minus strand). VCF-style: chr3-128481032-G-A. GRCh37 (hg19) VCF-style: chr3-128199875-G-A.
Other names: c.1430C>T, p.Thr477Ile (NM_001145661.2); c.1388C>T, p.Thr463Ile (NM_001145662.1); c.1430C>T (NM_032638.4); short protein forms T477I, T463I.
Identifiers: ClinVar variation 1035475 (VCV001035475.9), dbSNP rs2068619463, ClinGen allele CA354412402.